The following is an entry in ClinVar:

ClinVar aggregate classification (germline): Uncertain significance (1 of 4 stars; one submission).

Conditions:
X-linked Emery-Dreifuss muscular dystrophy. Also called: Muscular dystrophy, tardive Emery-Dreifuss type, with contractures. Identifiers: Orphanet 261, Orphanet 98863, MedGen C0751337, MONDO:0010680.

Submission:

Labcorp Genetics (formerly Invitae), Labcorp
Classification: Uncertain significance for X-linked Emery-Dreifuss muscular dystrophy. Last evaluated: 2026-01-26. Review status: criteria provided, single submitter. Criteria: Invitae Variant Classification Sherloc (09022015). Collection method: clinical testing. Allele origin: germline.
Comment: This sequence change replaces serine, which is neutral and polar, with proline, which is neutral and non-polar, at codon 192 of the EMD protein (p.Ser192Pro). This variant is not present in population databases (gnomAD no frequency). This variant has not been reported in the literature in individuals affected with EMD-related conditions. Invitae Evidence Modeling of protein sequence and biophysical properties (such as structural, functional, and spatial information, amino acid conservation, physicochemical variation, residue mobility, and thermodynamic stability) indicates that this missense variant is not expected to disrupt EMD protein function with a negative predictive value of 80%. In summary, the available evidence is currently insufficient to determine the role of this variant in disease. Therefore, it has been classified as a Variant of Uncertain Significance.

NM_000117.3(EMD):c.574T>C (p.Ser192Pro)

Gene: EMD (emerin; plus strand). Cytogenetic location: Xq28.
Variant type: single nucleotide variant.
Coding change: c.574T>C on transcript NM_000117.3 (MANE Select); coding-DNA position 574, T replaced by C.
Protein change: p.Ser192Pro; replaces serine 192 with proline.
Molecular consequence: missense variant.
Genome position (GRCh38, 1-based): chrX:154,381,006, T>C. VCF-style: chrX-154381006-T-C. GRCh37 (hg19) VCF-style: chrX-153609366-T-C.
Other names: short protein forms S192P.
Identifiers: ClinVar variation 4777178 (VCV004777178.1).